The following is an entry in ClinVar:

ClinVar aggregate classification (germline): Uncertain significance (1 of 4 stars; one submission).

Conditions:
Long QT syndrome (LQTS). Identifiers: MedGen C0023976, MeSH D008133, MONDO:0002442. Disease mechanism: loss of function. Inheritance: Various modes of inheritance.

Submission:

Labcorp Genetics (formerly Invitae), Labcorp
Classification: Uncertain significance for Long QT syndrome. Last evaluated: 2025-07-09. Review status: criteria provided, single submitter. Criteria: Invitae Variant Classification Sherloc (09022015). Collection method: clinical testing. Allele origin: germline.
Comment: This sequence change replaces serine, which is neutral and polar, with arginine, which is basic and polar, at codon 1597 of the CACNA1C protein (p.Ser1597Arg). This variant is not present in population databases (gnomAD no frequency). This variant has not been reported in the literature in individuals affected with CACNA1C-related conditions. Invitae Evidence Modeling of protein sequence and biophysical properties (such as structural, functional, and spatial information, amino acid conservation, physicochemical variation, residue mobility, and thermodynamic stability) has been performed for this missense variant. However, the output from this modeling did not meet the statistical confidence thresholds required to predict the impact of this variant on CACNA1C protein function. In summary, the available evidence is currently insufficient to determine the role of this variant in disease. Therefore, it has been classified as a Variant of Uncertain Significance.

NM_000719.7(CACNA1C):c.4791C>A (p.Ser1597Arg)

Gene: CACNA1C (calcium voltage-gated channel subunit alpha1 C; plus strand). Cytogenetic location: 12p13.33.
Variant type: single nucleotide variant.
Coding change: c.4791C>A on transcript NM_000719.7 (MANE Select); coding-DNA position 4791, C replaced by A.
Protein change: p.Ser1597Arg; replaces serine 1597 with arginine.
Molecular consequence: missense variant.
Genome position (GRCh38, 1-based): chr12:2,674,605, C>A. VCF-style: chr12-2674605-C-A. GRCh37 (hg19) VCF-style: chr12-2783771-C-A.
Other names: c.4935C>A, p.Ser1645Arg (NM_001129827.2, NM_199460.4); c.4914C>A, p.Ser1638Arg (NM_001129829.2); c.4791C>A, p.Ser1597Arg (NM_001129830.3, NM_001129840.2, NM_001129841.2 and 4 more transcripts); c.4875C>A, p.Ser1625Arg (NM_001129831.2); c.4851C>A, p.Ser1617Arg (NM_001129832.2); c.4848C>A, p.Ser1616Arg (NM_001129833.2, NM_001129834.2, NM_001129835.2); c.4842C>A, p.Ser1614Arg (NM_001129836.2); c.4815C>A, p.Ser1605Arg (NM_001129837.2, NM_001129838.2); and 3 more; short protein forms S1638R, S1645R, S1586R, S1597R, S1603R, S1614R, S1605R, S1616R.
Identifiers: ClinVar variation 4745789 (VCV004745789.1).